The following is an entry in ClinVar:

ClinVar aggregate classification (germline): Pathogenic. Review status: criteria provided, multiple submitters, no conflicts (2 of 4 stars). 2 submissions from 2 submitters: Pathogenic (2). Last evaluated 2024-07-29.

Conditions:
Hereditary cancer-predisposing syndrome. Also called: Neoplastic Syndromes, Hereditary; Tumor predisposition; Hereditary neoplastic syndrome; Hereditary Cancer Syndrome. Identifiers: Orphanet 140162, MedGen C0027672, MeSH D009386, MONDO:0015356.
Familial cancer of breast. Also called: BREAST CANCER, FAMILIAL; Hereditary breast cancer; hereditary breast carcinoma. Identifiers: Orphanet 227535, MedGen C0346153, MONDO:0016419, OMIM 114480. Disease mechanism: loss of function.

Submissions (2):

Ambry Genetics
Classification: Pathogenic for Hereditary cancer-predisposing syndrome. Last evaluated: 2024-07-29. Review status: criteria provided, single submitter. Criteria: Ambry Variant Classification Scheme 2023. Collection method: clinical testing. Allele origin: germline.
Comment: The c.4572dupT pathogenic mutation, located in coding exon 29 of the ATM gene, results from a duplication of T at nucleotide position 4572, causing a translational frameshift with a predicted alternate stop codon (p.I1525Yfs*6). This variant is considered to be rare based on population cohorts in the Genome Aggregation Database (gnomAD). This alteration is expected to result in loss of function by premature protein truncation or nonsense-mediated mRNA decay. As such, this alteration is interpreted as a disease-causing mutation.

Myriad Genetics, Inc.
Classification: Pathogenic for Familial cancer of breast. Last evaluated: 2024-01-24. Review status: criteria provided, single submitter. Criteria: Myriad Autosomal Dominant, Autosomal Recessive and X-Linked Classification Criteria (2023). Collection method: clinical testing. Allele origin: unknown.
Comment: This variant is considered pathogenic. This variant creates a frameshift predicted to result in premature protein truncation.

NM_000051.4(ATM):c.4572dup (p.Ile1525fs)

Gene: ATM (ATM serine/threonine kinase; plus strand). Cytogenetic location: 11q22.3.
Variant type: Duplication.
Coding change: c.4572dup on transcript NM_000051.4 (MANE Select); coding-DNA position 4572, one base duplicated (T; older notation c.4572dupT).
Protein change: p.Ile1525fs; shifts the reading frame from isoleucine 1525.
Molecular consequence: frameshift variant.
Genome position (GRCh38, 1-based): chr11:108,292,754, T duplicated; the last of 2 consecutive T bases (chr11:108,292,753-108,292,754); duplicating either gives the same sequence. VCF-style (leftmost placement, unchanged base first): chr11-108292752-C-CT. GRCh37 (hg19) VCF-style: chr11-108163479-C-CT.
Other names: c.4572dup, p.Ile1525fs (NM_001351834.2); c.4572dupT (NM_000051.3); short protein forms I1525fs.
Identifiers: ClinVar variation 3148513 (VCV003148513.2), dbSNP rs2135801606, ClinGen allele CA2825001882.